The following is an entry in ClinVar:

ClinVar aggregate classification (germline): Uncertain significance (1 of 4 stars; one submission).

gnomAD v4.1: 13 of 1,613,966 alleles (0.00081%); highest among the groups gnomAD compares: Non-Finnish European, 0.0011%; no homozygotes.

Submission:

Mayo Clinic Laboratories, Mayo Clinic
Classification: Uncertain significance. Last evaluated: 2023-07-24. Review status: criteria provided, single submitter. Criteria: ACMG Guidelines, 2015. Collection method: clinical testing. Allele origin: germline. Observed: 1 variant allele.
Comment: BP4

NM_003118.4(SPARC):c.723C>A (p.His241Gln)

Gene: SPARC (secreted protein acidic and cysteine rich; minus strand). Cytogenetic location: 5q33.1.
Variant type: single nucleotide variant.
Coding change: c.723C>A on transcript NM_003118.4 (MANE Select); coding-DNA position 723, C replaced by A.
Protein change: p.His241Gln; replaces histidine 241 with glutamine.
Molecular consequence: missense variant.
Genome position (GRCh38, 1-based): chr5:151,666,372, G>T on the plus strand (C>A on the coding strand, the complement: SPARC is on the minus strand). VCF-style: chr5-151666372-G-T. GRCh37 (hg19) VCF-style: chr5-151045933-G-T.
Other names: p.His241Gln; c.720C>A, p.His240Gln (NM_001309443.2); c.723C>A, p.His241Gln (NM_001309444.2); short protein forms H240Q, H241Q.
Identifiers: ClinVar variation 3379611 (VCV003379611.1).